The following is an entry in ClinVar:

NC_000015.9:g.(?_28356185)_(28389382_28389818)dup

Gene: HERC2 (HECT and RLD domain containing E3 ubiquitin protein ligase 2; minus strand). Cytogenetic location: 15q13.1.
Variant type: Duplication.
Identifiers: ClinVar variation 3768701 (VCV003768701.1).

ClinVar aggregate classification (germline): Uncertain significance (1 of 4 stars; one submission).

Submission:

Women's Health and Genetics/Laboratory Corporation of America, LabCorp
Classification: Uncertain significance. Last evaluated: 2025-02-06. Review status: criteria provided, single submitter. Criteria: LabCorp Variant Classification Summary - May 2015. Collection method: clinical testing. Allele origin: germline.
Comment: Variant summary: The variant involves the duplication of exons 73-93 in the HERC2 gene. A presumed nomenclature of c.(11140+1_11141-1)_(*724_?)dup has been designated for the purposes of this classification. The exact breakpoint at the 3' end of this variant is unknown, therefore this duplication may extend downstream of the annotated region of the gene. As it duplicates the termination codon, its effect on the encoded protein is unknown. The variant was absent in 21694 control chromosomes. The available data on variant occurrences in the general population are insufficient to allow any conclusion about variant significance. To our knowledge, no occurrence of c.(11140+1_11141-1)_(*724_?)dup in individuals affected with Intellectual Developmental Disorder, Autosomal Recessive 38 and no experimental evidence demonstrating its impact on protein function have been reported. No submitters have cited clinical-significance assessments for this variant to ClinVar. Based on the evidence outlined above, the variant was classified as uncertain significance.